The following is an entry in ClinVar:

NM_004006.3(DMD):c.1061G>A (p.Trp354Ter)

Gene: DMD (dystrophin; minus strand). Cytogenetic location: Xp21.1.
Variant type: single nucleotide variant.
Coding change: c.1061G>A on transcript NM_004006.3 (MANE Select); coding-DNA position 1061, G replaced by A.
Protein change: p.Trp354Ter; replaces tryptophan 354 with a stop codon.
Molecular consequence: nonsense.
Genome position (GRCh38, 1-based): chrX:32,645,052, C>T on the plus strand (G>A on the coding strand, the complement: DMD is on the minus strand). VCF-style: chrX-32645052-C-T. GRCh37 (hg19) VCF-style: chrX-32663169-C-T.
Other names: c.1037G>A, p.Trp346Ter (NM_000109.4); c.1049G>A, p.Trp350Ter (NM_004009.3); c.692G>A, p.Trp231Ter (NM_004010.3); short protein forms W354*, W346*, W231*, W350*.
Identifiers: ClinVar variation 409918 (VCV000409918.10), dbSNP rs1060502644, ClinGen allele CA16616527.

ClinVar aggregate classification (germline): Pathogenic (1 of 4 stars; one submission).

Conditions:
Duchenne muscular dystrophy (DMD). Also called: MUSCULAR DYSTROPHY, PSEUDOHYPERTROPHIC PROGRESSIVE, DUCHENNE TYPE; Duchenne Muscular Dystrophy (DMD). Identifiers: Orphanet 98896, MedGen C0013264, MONDO:0010679, OMIM 310200.

Submission:

Labcorp Genetics (formerly Invitae), Labcorp
Classification: Pathogenic for Duchenne muscular dystrophy. Last evaluated: 2021-06-14. Review status: criteria provided, single submitter. Criteria: Invitae Variant Classification Sherloc (09022015). Collection method: clinical testing. Allele origin: germline.
Comment: For these reasons, this variant has been classified as Pathogenic. Loss-of-function variants in DMD are known to be pathogenic. This particular variant has been reported in the literature in two individuals affected with Duchenne muscular dystrophy (PMID: 7849724, 19959795). This sequence change creates a premature translational stop signal at codon 354 (p.Trp354*) of the DMD gene. It is expected to result in an absent or disrupted protein product.

Literature cited by the submitters: PubMed 7849724; PubMed 19959795.